The following is an entry in ClinVar:

ClinVar aggregate classification (germline): Pathogenic (1 of 4 stars; one submission).

Conditions:
Developmental and epileptic encephalopathy, 31A. Also called: Developmental and epileptic encephalopathy, 31; Epileptic encephalopathy, early infantile, 31. Identifiers: Orphanet 2382, MedGen C4225357, MONDO:0014598, OMIM 616346.

Submission:

Labcorp Genetics (formerly Invitae), Labcorp
Classification: Pathogenic for Developmental and epileptic encephalopathy, 31A. Last evaluated: 2025-05-13. Review status: criteria provided, single submitter. Criteria: Invitae Variant Classification Sherloc (09022015). Collection method: clinical testing. Allele origin: germline.
Comment: This sequence change creates a premature translational stop signal (p.Ala812Glyfs*13) in the DNM1 gene. It is expected to result in an absent or disrupted protein product. Loss-of-function variants in DNM1 are known to be pathogenic (PMID: 34172529). The frequency data for this variant in the population databases is considered unreliable, as metrics indicate poor data quality at this position in the gnomAD database. This variant has not been reported in the literature in individuals affected with DNM1-related conditions. ClinVar contains an entry for this variant (Variation ID: 1474244). For these reasons, this variant has been classified as Pathogenic.

Literature cited by the submitters: PubMed 34172529.

NM_004408.4(DNM1):c.2434dup (p.Ala812fs)

Genes: DNM1 (dynamin 1; plus strand), LOC130002699 (ATAC-STARR-seq lymphoblastoid silent region 20333; plus strand). Cytogenetic location: 9q34.11.
Variant type: Duplication.
Coding change: c.2434dup on transcript NM_004408.4 (MANE Select); coding-DNA position 2434, one base duplicated (G; older notation c.2434dupG).
Protein change: p.Ala812fs; shifts the reading frame from alanine 812.
Molecular consequence: frameshift variant.
Genome position (GRCh38, 1-based): chr9:128,250,840, G duplicated; the last of 8 consecutive G bases (chr9:128,250,833-128,250,840); duplicating any one gives the same sequence. VCF-style (leftmost placement, unchanged base first): chr9-128250832-T-TG. GRCh37 (hg19) VCF-style: chr9-131013111-T-TG.
Other names: c.2434dup, p.Ala812fs (NM_001005336.3, NM_001288737.2, NM_001288738.2 and 2 more transcripts); short protein forms A812fs.
Identifiers: ClinVar variation 1474244 (VCV001474244.6), dbSNP rs747024881, ClinGen allele CA5258453.